The following is an entry in ClinVar:

NM_006506.5(RASA2):c.1492C>T (p.His498Tyr)

Gene: RASA2 (RAS p21 protein activator 2; plus strand). Cytogenetic location: 3q23.
Variant type: single nucleotide variant.
Coding change: c.1492C>T on transcript NM_006506.5 (MANE Select); coding-DNA position 1492, C replaced by T.
Protein change: p.His498Tyr; replaces histidine 498 with tyrosine.
Molecular consequence: missense variant.
Genome position (GRCh38, 1-based): chr3:141,577,008, C>T. VCF-style: chr3-141577008-C-T. GRCh37 (hg19) VCF-style: chr3-141295850-C-T.
Other names: c.1492C>T, p.His498Tyr (NM_001303245.3, NM_001303246.3); short protein forms H498Y.
Identifiers: ClinVar variation 1773811 (VCV001773811.2), dbSNP rs2478737605, ClinGen allele CA354778916.

ClinVar aggregate classification (germline): Uncertain significance (1 of 4 stars; one submission).

Submission:

Ambry Genetics
Classification: Uncertain significance. Last evaluated: 2022-03-03. Review status: criteria provided, single submitter. Criteria: Ambry Variant Classification Scheme 2023. Collection method: clinical testing. Allele origin: germline.
Comment: The p.H498Y variant (also known as c.1492C>T), located in coding exon 15 of the RASA2 gene, results from a C to T substitution at nucleotide position 1492. The histidine at codon 498 is replaced by tyrosine, an amino acid with similar properties. This amino acid position is conserved. In addition, the in silico prediction for this alteration is inconclusive. Since supporting evidence is limited at this time, the clinical significance of this alteration remains unclear.